The following is an entry in ClinVar:

ClinVar aggregate classification (germline): Uncertain significance (1 of 4 stars; one submission).

Conditions:
Aicardi-Goutieres syndrome 5. Identifiers: Orphanet 51, MedGen C2749659, MONDO:0013059, OMIM 612952.

Submission:

Labcorp Genetics (formerly Invitae), Labcorp
Classification: Uncertain significance for Aicardi-Goutieres syndrome 5. Last evaluated: 2022-01-04. Review status: criteria provided, single submitter. Criteria: Invitae Variant Classification Sherloc (09022015). Collection method: clinical testing. Allele origin: germline.
Comment: This variant is a gross deletion of the genomic region encompassing exon(s) 7-9 of the SAMHD1 gene. This variant would be expected to be in-frame, preserving the integrity of the reading frame. In summary, the available evidence is currently insufficient to determine the role of this variant in disease. Therefore, it has been classified as a Variant of Uncertain Significance. Experimental studies and prediction algorithms are not available or were not evaluated, and the functional significance of this variant is currently unknown. This variant has not been reported in the literature in individuals affected with SAMHD1-related conditions.

NC_000020.10:g.(?_35545105)_(35547942_?)del

Gene: SAMHD1 (SAM and HD domain containing deoxynucleoside triphosphate triphosphohydrolase 1; minus strand). Cytogenetic location: 20q11.23.
Variant type: Deletion.
Identifiers: ClinVar variation 1040979 (VCV001040979.6).